The following is an entry in ClinVar:

NM_000796.6(DRD3):c.723+4A>G

Gene: DRD3 (dopamine receptor D3; minus strand). Cytogenetic location: 3q13.31.
Variant type: single nucleotide variant.
Coding change: c.723+4A>G on transcript NM_000796.6 (MANE Select); 4 bases into the intron after coding-DNA position 723, A replaced by G.
Molecular consequence: intron variant.
Genome position (GRCh38, 1-based): chr3:114,139,496, T>C on the plus strand (A>G on the coding strand, the complement: DRD3 is on the minus strand). VCF-style: chr3-114139496-T-C. GRCh37 (hg19) VCF-style: chr3-113858343-T-C.
Other names: c.723+4A>G (NM_033663.6, NM_001282563.2, NM_001290809.1).
Identifiers: ClinVar variation 2654053 (VCV002654053.24), dbSNP rs2550260583, ClinGen allele CA2695199263.

ClinVar aggregate classification (germline): Uncertain significance (1 of 4 stars; one submission).

Submission:

CeGaT Center for Human Genetics Tuebingen
Classification: Uncertain significance. Last evaluated: 2022-07-01. Review status: criteria provided, single submitter. Criteria: CeGaT Center For Human Genetics Tuebingen Variant Classification Criteria Version 2. Collection method: clinical testing. Allele origin: germline. Affected: yes. Observed: 1 variant allele.
Comment: DRD3: PM2, BP4